The following is an entry in ClinVar:

ClinVar aggregate classification (germline): Conflicting classifications of pathogenicity. Review status: criteria provided, conflicting classifications (1 of 4 stars). 2 submissions from 2 submitters: Likely pathogenic (1); Uncertain significance (1). Last evaluated 2024-12-06.

Conditions:
Developmental and epileptic encephalopathy, 73. Also called: Rnf13-related severe early-onset epileptic encephalopathy; EPILEPTIC ENCEPHALOPATHY, EARLY INFANTILE, 73. Identifiers: Orphanet 544503, MedGen C5193065, MONDO:0034106, OMIM 618379.

Submissions (2):

Rady Children's Institute for Genomic Medicine, Rady Children's Hospital San Diego
Classification: Likely pathogenic for Epileptic encephalopathy, early infantile, 73. Last evaluated: 2024-12-06. Review status: criteria provided, single submitter. Criteria: ACMG Guidelines, 2015. Collection method: clinical testing. Allele origin: germline. Affected: yes.
Comment: This nonsense variant is found in the last exon of RNF13, therefore the resulting mRNA is predicted to escape nonsense-mediated decay. However, truncating variants downstream of this position have been reported as disease-causing in the literature, and residues 292-312 have been described as a critical region for developmental and epileptic encephalopathy-73 (PMID: 37668308). The c.882dup (p.Asp295Ter) variant has not been previously reported or functionally characterized in the literature to our knowledge. This variant is absent from the latest version of the gnomAD population database and thus is presumed to be rare. Based on parental analysis, this variant likely occurred as a de novo event. Based on the available evidence, c.882dup (p.Asp295Ter) is classified as Likely Pathogenic.

Laboratorio de Genetica e Diagnostico Molecular, Hospital Israelita Albert Einstein
Classification: Uncertain significance for Developmental and epileptic encephalopathy, 73. Last evaluated: 2023-11-29. Review status: criteria provided, single submitter. Criteria: ACMG Guidelines, 2015. Collection method: clinical testing. Allele origin: germline. Affected: yes.
Comment: ACMG classification criteria: PM2 moderate

Literature cited by the submitters: PubMed 37668308 (cited by Rady Children's Institute for Genomic Medicine, Rady Children's Hospital San Diego).

NM_183381.3(RNF13):c.882dup (p.Asp295Ter)

Gene: RNF13 (ring finger protein 13; plus strand). Cytogenetic location: 3q25.1.
Variant type: Duplication.
Coding change: c.882dup on transcript NM_183381.3 (MANE Select); coding-DNA position 882, one base duplicated (T; older notation c.882dupT).
Protein change: p.Asp295Ter; replaces aspartic acid 295 with a stop codon.
Molecular consequence: nonsense. On other transcripts: non-coding transcript variant (1).
Genome position (GRCh38, 1-based): chr3:149,960,840, T duplicated. VCF-style (leftmost placement, unchanged base first): chr3-149960839-C-CT. GRCh37 (hg19) VCF-style: chr3-149678626-C-CT.
Other names: c.882dup, p.Asp295Ter (NM_001378285.1, NM_001378286.1, NM_007282.4); c.525dup, p.Asp176Ter (NM_001378287.1, NM_001378288.1, NM_001378289.1 and 2 more transcripts); c.489dup, p.Asp164Ter (NM_001378291.1); short protein forms D164*, D176*, D295*.
Identifiers: ClinVar variation 4076379 (VCV004076379.2).